The following is an entry in ClinVar:

NM_000186.4(CFH):c.2693G>C (p.Ser898Thr)

Gene: CFH (complement factor H; plus strand). Cytogenetic location: 1q31.3.
Variant type: single nucleotide variant.
Coding change: c.2693G>C on transcript NM_000186.4 (MANE Select); coding-DNA position 2693, G replaced by C.
Protein change: p.Ser898Thr; replaces serine 898 with threonine.
Molecular consequence: missense variant.
Genome position (GRCh38, 1-based): chr1:196,737,571, G>C. VCF-style: chr1-196737571-G-C. GRCh37 (hg19) VCF-style: chr1-196706701-G-C.
Other names: short protein forms S898T.
Identifiers: ClinVar variation 2983513 (VCV002983513.4), dbSNP rs1361345512, ClinGen allele CA343993928.

ClinVar aggregate classification (germline): Uncertain significance. Review status: criteria provided, multiple submitters, no conflicts (2 of 4 stars). 2 submissions from 2 submitters: Uncertain significance (2). Last evaluated 2024-03-12.

Conditions:
Inborn genetic diseases. Identifiers: MedGen C0950123, MeSH D030342.

gnomAD v4.1: 3 of 1,613,236 alleles (0.00019%); highest among the groups gnomAD compares: African/African-American, 0.004%; no homozygotes.

Submissions (2):

Ambry Genetics
Classification: Uncertain significance for Inborn genetic diseases. Last evaluated: 2024-03-12. Review status: criteria provided, single submitter. Criteria: Ambry Variant Classification Scheme 2023. Collection method: clinical testing. Allele origin: germline.

Labcorp Genetics (formerly Invitae), Labcorp
Classification: Uncertain significance. Last evaluated: 2023-01-07. Review status: criteria provided, single submitter. Criteria: Invitae Variant Classification Sherloc (09022015). Collection method: clinical testing. Allele origin: germline.
Comment: In summary, the available evidence is currently insufficient to determine the role of this variant in disease. Therefore, it has been classified as a Variant of Uncertain Significance. Algorithms developed to predict the effect of missense changes on protein structure and function output the following: SIFT: "Tolerated"; PolyPhen-2: "Possibly Damaging"; Align-GVGD: "Class C0". The threonine amino acid residue is found in multiple mammalian species, which suggests that this missense change does not adversely affect protein function. This variant has not been reported in the literature in individuals affected with CFH-related conditions. This variant is not present in population databases (gnomAD no frequency). This sequence change replaces serine, which is neutral and polar, with threonine, which is neutral and polar, at codon 898 of the CFH protein (p.Ser898Thr).